The following is an entry in ClinVar:

NM_001256545.2(MEGF10):c.1302C>G (p.Phe434Leu)

Gene: MEGF10 (multiple EGF like domains 10; plus strand). Cytogenetic location: 5q23.2.
Variant type: single nucleotide variant.
Coding change: c.1302C>G on transcript NM_001256545.2 (MANE Select); coding-DNA position 1302, C replaced by G.
Protein change: p.Phe434Leu; replaces phenylalanine 434 with leucine.
Molecular consequence: missense variant.
Genome position (GRCh38, 1-based): chr5:127,417,809, C>G. VCF-style: chr5-127417809-C-G. GRCh37 (hg19) VCF-style: chr5-126753501-C-G.
Other names: c.1302C>G, p.Phe434Leu (NM_001308119.2, NM_001308121.2, NM_032446.3); short protein forms F434L.
Identifiers: ClinVar variation 1036476 (VCV001036476.9), dbSNP rs1408693633, ClinGen allele CA360728824.

ClinVar aggregate classification (germline): Uncertain significance (1 of 4 stars; one submission).

Conditions:
MEGF10-related myopathy (CMYO10A). Also called: Congenital myopathy 10A, severe variant. Identifiers: Orphanet 439212, MedGen C3280679, MONDO:0013731, OMIM 614399.

Allele frequency attached by ClinVar (database versions not stated): gnomAD exomes below 0.00001 and 0.00001; TOPMed below 0.00001; gnomAD 0.00003 and 0.00004.
gnomAD v4.1: 11 of 1,613,486 alleles (0.00068%); highest among the groups gnomAD compares: African/African-American, 0.015%; no homozygotes.

Submission:

Labcorp Genetics (formerly Invitae), Labcorp
Classification: Uncertain significance for MEGF10-related myopathy. Last evaluated: 2026-01-19. Review status: criteria provided, single submitter. Criteria: Invitae Variant Classification Sherloc (09022015). Collection method: clinical testing. Allele origin: germline.
Comment: This sequence change replaces phenylalanine, which is neutral and non-polar, with leucine, which is neutral and non-polar, at codon 434 of the MEGF10 protein (p.Phe434Leu). This variant is present in population databases (no rsID available, gnomAD 0.01%). This variant has not been reported in the literature in individuals affected with MEGF10-related conditions. ClinVar contains an entry for this variant (Variation ID: 1036476). Invitae Evidence Modeling of protein sequence and biophysical properties (such as structural, functional, and spatial information, amino acid conservation, physicochemical variation, residue mobility, and thermodynamic stability) indicates that this missense variant is not expected to disrupt MEGF10 protein function with a negative predictive value of 80%. In summary, the available evidence is currently insufficient to determine the role of this variant in disease. Therefore, it has been classified as a Variant of Uncertain Significance.